The following is an entry in ClinVar:

ClinVar aggregate classification (germline): Uncertain significance (1 of 4 stars; one submission).

Conditions:
Baller-Gerold syndrome (BGS). Also called: CRANIOSYNOSTOSIS WITH RADIAL DEFECTS. Identifiers: Orphanet 1225, MedGen C0265308, MONDO:0009039, OMIM 218600.

Submission:

Labcorp Genetics (formerly Invitae), Labcorp
Classification: Uncertain significance for Baller-Gerold syndrome. Last evaluated: 2023-09-05. Review status: criteria provided, single submitter. Criteria: Invitae Variant Classification Sherloc (09022015). Collection method: clinical testing. Allele origin: germline.
Comment: This sequence change replaces proline, which is neutral and non-polar, with alanine, which is neutral and non-polar, at codon 73 of the RECQL4 protein (p.Pro73Ala). This variant is not present in population databases (gnomAD no frequency). This variant has not been reported in the literature in individuals affected with RECQL4-related conditions. Experimental studies and prediction algorithms are not available or were not evaluated, and the functional significance of this variant is currently unknown. In summary, the available evidence is currently insufficient to determine the role of this variant in disease. Therefore, it has been classified as a Variant of Uncertain Significance.

NM_004260.4(RECQL4):c.217C>G (p.Pro73Ala)

Gene: RECQL4 (RecQ like helicase 4; minus strand). Cytogenetic location: 8q24.3.
Variant type: single nucleotide variant.
Coding change: c.217C>G on transcript NM_004260.4 (MANE Select); coding-DNA position 217, C replaced by G.
Protein change: p.Pro73Ala; replaces proline 73 with alanine.
Molecular consequence: missense variant. On other transcripts: 5 prime UTR variant (17), non-coding transcript variant (3).
Genome position (GRCh38, 1-based): chr8:144,517,187, G>C on the plus strand (C>G on the coding strand, the complement: RECQL4 is on the minus strand). VCF-style: chr8-144517187-G-C. GRCh37 (hg19) VCF-style: chr8-145742571-G-C.
Other names: c.217C>G, p.Pro73Ala (NM_001413017.1, NM_001413018.1, NM_001413019.1 and 5 more transcripts); c.-504C>G (NM_001413021.1); c.-855C>G (NM_001413022.1, NM_001413023.1, NM_001413037.1 and 3 more transcripts); c.-752C>G (NM_001413024.1, NM_001413035.1); c.88C>G, p.Pro30Ala (NM_001413025.1); c.-917C>G (NM_001413027.1, NM_001413030.1, NM_001413031.1 and 1 more transcripts); c.-580C>G (NM_001413028.1); c.-814C>G (NM_001413032.1); and 2 more; short protein forms P30A, P73A.
Identifiers: ClinVar variation 2758109 (VCV002758109.3), dbSNP rs2538114029, ClinGen allele CA372692390.
Genomic context (GRCh38, chr8:144,517,187, plus strand): 5'-TAGACTGTGGACTCTTGGTCGCAGCCCGATTCAGATGGGGCCCCCAGCAGCGGGGCTCTG[G>C]CGCCTGCAGGAGACAACAGGGGCACAGGCCAGAAAAGGCTGTTGTGGCGGCAGAAGCGCT-3'
Protein context (NP_004251.4, residues 63-83): ESLPAAAEEA[Pro73Ala]EPRCWGPHLN